The following is an entry in ClinVar:

NM_001365536.1(SCN9A):c.4771G>A (p.Val1591Ile)

Genes: SCN1A-AS1 (SCN1A and SCN9A antisense RNA 1; plus strand), SCN9A (sodium voltage-gated channel alpha subunit 9; minus strand). Cytogenetic location: 2q24.3.
Variant type: single nucleotide variant.
Coding change: c.4771G>A on transcript NM_001365536.1 (MANE Select); coding-DNA position 4771, G replaced by A.
Protein change: p.Val1591Ile; replaces valine 1591 with isoleucine.
Molecular consequence: missense variant.
Genome position (GRCh38, 1-based): chr2:166,203,958, C>T on the plus strand (G>A on the coding strand, the complement: SCN9A is on the minus strand). VCF-style: chr2-166203958-C-T. GRCh37 (hg19) VCF-style: chr2-167060468-C-T.
Other names: c.4738G>A, p.Val1580Ile (NM_002977.4); short protein forms V1591I, V1580I.
Identifiers: ClinVar variation 1432351 (VCV001432351.6), dbSNP rs1156361337, ClinGen allele CA349057249.

ClinVar aggregate classification (germline): Uncertain significance (1 of 4 stars; one submission).

Conditions:
Generalized epilepsy with febrile seizures plus, type 7 (GEFSP7). Also called: GEFS+, TYPE 7. Identifiers: Orphanet 36387, MedGen C2751778, MONDO:0013470, OMIM 613863.
Neuropathy, hereditary sensory and autonomic, type 2A (HSAN2A). Also called: HSAN IIA; ACROOSTEOLYSIS, GIACCAI TYPE; ACROOSTEOLYSIS, NEUROGENIC; NEUROPATHY, CONGENITAL SENSORY; NEUROPATHY, HEREDITARY SENSORY RADICULAR, AUTOSOMAL RECESSIVE; NEUROPATHY, HEREDITARY SENSORY, TYPE IIA. Identifiers: Orphanet 970, MedGen C2752089, MONDO:0024309, OMIM 201300.

Allele frequency attached by ClinVar (database versions not stated): TOPMed below 0.00001.

Submission:

Labcorp Genetics (formerly Invitae), Labcorp
Classification: Uncertain significance for Neuropathy, hereditary sensory and autonomic, type 2A; Generalized epilepsy with febrile seizures plus, type 7. Last evaluated: 2025-06-15. Review status: criteria provided, single submitter. Criteria: Invitae Variant Classification Sherloc (09022015). Collection method: clinical testing. Allele origin: germline.
Comment: This sequence change replaces valine, which is neutral and non-polar, with isoleucine, which is neutral and non-polar, at codon 1580 of the SCN9A protein (p.Val1580Ile). This variant is not present in population databases (gnomAD no frequency). This variant has not been reported in the literature in individuals affected with SCN9A-related conditions. ClinVar contains an entry for this variant (Variation ID: 1432351). Invitae Evidence Modeling of protein sequence and biophysical properties (such as structural, functional, and spatial information, amino acid conservation, physicochemical variation, residue mobility, and thermodynamic stability) indicates that this missense variant is not expected to disrupt SCN9A protein function with a negative predictive value of 95%. In summary, the available evidence is currently insufficient to determine the role of this variant in disease. Therefore, it has been classified as a Variant of Uncertain Significance.